The following is an entry in ClinVar:

NM_001365951.3(KIF1B):c.2031G>C (p.Glu677Asp)

Gene: KIF1B (kinesin family member 1B; plus strand). Cytogenetic location: 1p36.22.
Variant type: single nucleotide variant.
Coding change: c.2031G>C on transcript NM_001365951.3 (MANE Select); coding-DNA position 2031, G replaced by C.
Protein change: p.Glu677Asp; replaces glutamic acid 677 with aspartic acid.
Molecular consequence: missense variant.
Genome position (GRCh38, 1-based): chr1:10,297,066, G>C. VCF-style: chr1-10297066-G-C. GRCh37 (hg19) VCF-style: chr1-10357124-G-C.
Other names: c.2031G>C, p.Glu677Asp (NM_001365952.1); c.1893G>C, p.Glu631Asp (NM_001365953.1, NM_015074.3, NM_183416.4); short protein forms E631D, E677D.
Identifiers: ClinVar variation 1782111 (VCV001782111.3), dbSNP rs2521403150, ClinGen allele CA338317531.
Genomic context (GRCh38, chr1:10,297,066, plus strand): 5'-GGACTGGACATTTGCCCAGAGGGAGCTTCTGGAAAAACAAGGAATTGATATGAAACAAGA[G>C]ATGGAGAAAAGGTAATGCACAGTTACGCAGCCCATATGACTGTTTCTTCTTTTAAACATG-3'
Protein context (NP_001352880.1, residues 667-687): LEKQGIDMKQ[Glu677Asp]MEKRLQEMEI

ClinVar aggregate classification (germline): Uncertain significance (1 of 4 stars; one submission).

Submission:

Ambry Genetics
Classification: Uncertain significance. Last evaluated: 2022-04-19. Review status: criteria provided, single submitter. Criteria: Ambry Variant Classification Scheme 2023. Collection method: clinical testing. Allele origin: germline.
Comment: The p.E631D variant (also known as c.1893G>C), located in coding exon 18 of the KIF1B gene, results from a G to C substitution at nucleotide position 1893. The glutamic acid at codon 631 is replaced by aspartic acid, an amino acid with highly similar properties. This amino acid position is conserved. In addition, the in silico prediction for this alteration is inconclusive. Since supporting evidence is limited at this time, the clinical significance of this alteration remains unclear.